The following is an entry in ClinVar:

NM_031935.3(HMCN1):c.2480G>A (p.Arg827Gln)

Gene: HMCN1 (hemicentin 1; plus strand). Cytogenetic location: 1q31.1.
Variant type: single nucleotide variant.
Coding change: c.2480G>A on transcript NM_031935.3 (MANE Select); coding-DNA position 2480, G replaced by A.
Protein change: p.Arg827Gln; replaces arginine 827 with glutamine.
Molecular consequence: missense variant.
Genome position (GRCh38, 1-based): chr1:185,977,895, G>A. VCF-style: chr1-185977895-G-A. GRCh37 (hg19) VCF-style: chr1-185947027-G-A.
Other names: short protein forms R827Q.
Identifiers: ClinVar variation 3000810 (VCV003000810.3), dbSNP rs770643584, ClinGen allele CA1291411.

ClinVar aggregate classification (germline): Uncertain significance (1 of 4 stars; one submission).

Allele frequency attached by ClinVar (database versions not stated): ExAC 0.00001; gnomAD exomes 0.00001; TOPMed 0.00001; gnomAD 0.00002.
gnomAD v4.1: 14 of 1,613,196 alleles (0.00087%); highest among the groups gnomAD compares: Middle Eastern, 0.033%; no homozygotes.

Submission:

Labcorp Genetics (formerly Invitae), Labcorp
Classification: Uncertain significance. Last evaluated: 2023-11-07. Review status: criteria provided, single submitter. Criteria: Invitae Variant Classification Sherloc (09022015). Collection method: clinical testing. Allele origin: germline.
Comment: This sequence change replaces arginine, which is basic and polar, with glutamine, which is neutral and polar, at codon 827 of the HMCN1 protein (p.Arg827Gln). This variant is present in population databases (rs770643584, gnomAD 0.01%). This variant has not been reported in the literature in individuals affected with HMCN1-related conditions. Algorithms developed to predict the effect of missense changes on protein structure and function output the following: SIFT: "Not Available"; PolyPhen-2: "Benign"; Align-GVGD: "Not Available". The glutamine amino acid residue is found in multiple mammalian species, which suggests that this missense change does not adversely affect protein function. In summary, the available evidence is currently insufficient to determine the role of this variant in disease. Therefore, it has been classified as a Variant of Uncertain Significance.